The following is an entry in ClinVar:

NM_001040108.2(MLH3):c.1738G>A (p.Glu580Lys)

Gene: MLH3 (mutL homolog 3; minus strand). Cytogenetic location: 14q24.3.
Variant type: single nucleotide variant.
Coding change: c.1738G>A on transcript NM_001040108.2 (MANE Select); coding-DNA position 1738, G replaced by A.
Protein change: p.Glu580Lys; replaces glutamic acid 580 with lysine.
Molecular consequence: missense variant.
Genome position (GRCh38, 1-based): chr14:75,047,918, C>T on the plus strand (G>A on the coding strand, the complement: MLH3 is on the minus strand). VCF-style: chr14-75047918-C-T. GRCh37 (hg19) VCF-style: chr14-75514621-C-T.
Other names: c.1738G>A, p.Glu580Lys (NM_014381.3); short protein forms E580K.
Identifiers: ClinVar variation 1779127 (VCV001779127.4), dbSNP rs1357533340, ClinGen allele CA390444508.
Genomic context (GRCh38, chr14:75,047,918, plus strand): 5'-GCCCATAACTAAAAACATTTCTTCTTCCACAATTGCTAGATTCTTTTTTTTTCTCTTTCT[C>T]TGTCTGAGCACTATGTACTCCCCATAATGTTGTTGCAAAAGGCAGAGGCTGGCATCCCAC-3'
Protein context (NP_001035197.1, residues 570-590): TLWGVHSAQT[Glu580Lys]KEKKKESSNC

ClinVar aggregate classification (germline): Uncertain significance (1 of 4 stars; one submission).

Allele frequency attached by ClinVar (database versions not stated): TOPMed 0.00001.

Submission:

Ambry Genetics
Classification: Uncertain significance. Last evaluated: 2025-07-09. Review status: criteria provided, single submitter. Criteria: Ambry Variant Classification Scheme 2023. Collection method: clinical testing. Allele origin: germline.
Comment: The p.E580K variant (also known as c.1738G>A), located in coding exon 1 of the MLH3 gene, results from a G to A substitution at nucleotide position 1738. The glutamic acid at codon 580 is replaced by lysine, an amino acid with similar properties. This amino acid position is not well conserved in available vertebrate species. In addition, this alteration is predicted to be tolerated by in silico analysis. Since supporting evidence is limited at this time, the clinical significance of this alteration remains unclear.